The following is an entry in ClinVar:

NM_014319.5(LEMD3):c.1703G>C (p.Gly568Ala)

Gene: LEMD3 (LEM domain containing 3; plus strand). Cytogenetic location: 12q14.3.
Variant type: single nucleotide variant.
Coding change: c.1703G>C on transcript NM_014319.5 (MANE Select); coding-DNA position 1703, G replaced by C.
Protein change: p.Gly568Ala; replaces glycine 568 with alanine.
Molecular consequence: missense variant.
Genome position (GRCh38, 1-based): chr12:65,238,509, G>C. VCF-style: chr12-65238509-G-C. GRCh37 (hg19) VCF-style: chr12-65632289-G-C.
Other names: c.1700G>C, p.Gly567Ala (NM_001167614.2); short protein forms G567A, G568A.
Identifiers: ClinVar variation 1912108 (VCV001912108.5), dbSNP rs2498905661, ClinGen allele CA385670883.
Genomic context (GRCh38, chr12:65,238,509, plus strand): 5'-AGAGAGTCGAATGTAGATTAAGAATAGTTATTTTTCTCTATTTTTCTTGTTAGGATTTAG[G>C]TCCTGAATATGAAGGTATATTTAACACTTCATTGCAGTGGATCTTAGAAAATGGAAAAGA-3'
Protein context (NP_055134.2, residues 558-578): QEAAAYLKDL[Gly568Ala]PEYEGIFNTS

ClinVar aggregate classification (germline): Uncertain significance (1 of 4 stars; one submission).

Submission:

Labcorp Genetics (formerly Invitae), Labcorp
Classification: Uncertain significance. Last evaluated: 2021-12-23. Review status: criteria provided, single submitter. Criteria: Invitae Variant Classification Sherloc (09022015). Collection method: clinical testing. Allele origin: germline.
Comment: This sequence change replaces glycine, which is neutral and non-polar, with alanine, which is neutral and non-polar, at codon 568 of the LEMD3 protein (p.Gly568Ala). This variant is not present in population databases (gnomAD no frequency). This variant has not been reported in the literature in individuals affected with LEMD3-related conditions. Algorithms developed to predict the effect of missense changes on protein structure and function (SIFT, PolyPhen-2, Align-GVGD) all suggest that this variant is likely to be tolerated. In summary, the available evidence is currently insufficient to determine the role of this variant in disease. Therefore, it has been classified as a Variant of Uncertain Significance.